The following is an entry in ClinVar:

ClinVar aggregate classification (germline): Benign. Review status: criteria provided, multiple submitters, no conflicts (2 of 4 stars). 4 submissions from 4 submitters: Benign (4). Last evaluated 2026-01-15.

Conditions:
Idiopathic basal ganglia calcification 1 (PFBC1A). Also called: Familial Idiopathic Basal Ganglia Calcification 2; Familial Idiopathic Basal Ganglia Calcification 3; Primary Familial Brain Calcification; PRIMARY FAMILIAL BRAIN CALCIFICATION 1A, AUTOSOMAL DOMINANT; Fahr's syndrome; Cerebral calcification nonarteriosclerotic idiopathic adult-onset. Identifiers: Orphanet 1980, MedGen C4551624, MONDO:0024538, OMIM 213600.

Allele frequency attached by ClinVar (database versions not stated): gnomAD 0.01161 and 0.01256; TOPMed 0.01280; 1000 Genomes Project 30x 0.01468; ExAC 0.00402; 1000 Genomes Project 0.01358; ESP Exome Variant Server 0.01223.

Submissions (10):

Labcorp Genetics (formerly Invitae), Labcorp
Classification: Benign. Last evaluated: 2026-01-15. Review status: criteria provided, single submitter. Criteria: Invitae Variant Classification Sherloc (09022015). Collection method: clinical testing. Allele origin: germline.

GeneDx
Classification: Benign. Last evaluated: 2019-11-01. Review status: criteria provided, single submitter. Criteria: GeneDx Variant Classification Process June 2021. Collection method: clinical testing. Allele origin: germline. Affected: yes.

Illumina Laboratory Services, Illumina
Classification: Benign for Idiopathic basal ganglia calcification 1. Last evaluated: 2018-01-13. Review status: criteria provided, single submitter. Criteria: ICSL Variant Classification Criteria 13 December 2019. Collection method: clinical testing. Allele origin: germline.
Comment: This variant was observed in the ICSL laboratory as part of a predisposition screen in an ostensibly healthy population. It had not been previously curated by ICSL or reported in the Human Gene Mutation Database (HGMD: prior to June 1st, 2018), and was therefore a candidate for classification through an automated scoring system. Utilizing variant allele frequency, disease prevalence and penetrance estimates, and inheritance mode, an automated score was calculated to assess if this variant is too frequent to cause the disease. Based on the score and internal cut-off values, a variant classified as benign is not then subjected to further curation. The score for this variant resulted in a classification of benign for this disease.

Breakthrough Genomics
Classification: Benign. Review status: criteria provided, single submitter. Criteria: ACMG Guidelines, 2015. Collection method: not provided. Allele origin: germline. Inheritance: Autosomal dominant inheritance. Affected: yes.

Dr. Peter K. Rogan Lab, Western University
No classification provided (evidence only). Condition: Lung cancer. Review status: no classification provided. Collection method: in vitro. Allele origin: not applicable. Functional consequence: retained intron. Not counted in ClinVar's aggregate classification.

Dr. Peter K. Rogan Lab, Western University
No classification provided (evidence only). Condition: Lung cancer. Review status: no classification provided. Collection method: in vitro. Allele origin: not applicable. Functional consequence: retained intron. Not counted in ClinVar's aggregate classification.

Dr. Peter K. Rogan Lab, Western University
No classification provided (evidence only). Condition: Familial cancer of breast. Review status: no classification provided. Collection method: in vitro. Allele origin: not applicable. Functional consequence: skipped exon, retained intron. Not counted in ClinVar's aggregate classification.

Dr. Peter K. Rogan Lab, Western University
No classification provided (evidence only). Condition: Acute myeloid leukemia. Review status: no classification provided. Collection method: in vitro. Allele origin: not applicable. Functional consequence: retained intron. Not counted in ClinVar's aggregate classification.

Dr. Peter K. Rogan Lab, Western University
No classification provided (evidence only). Condition: Uterine corpus endometrial carcinoma. Review status: no classification provided. Collection method: in vitro. Allele origin: not applicable. Functional consequence: skipped exon, retained intron. Not counted in ClinVar's aggregate classification.

Dr. Peter K. Rogan Lab, Western University
No classification provided (evidence only). Condition: Cervical cancer. Review status: no classification provided. Collection method: in vitro. Allele origin: not applicable. Functional consequence: retained intron. Not counted in ClinVar's aggregate classification.

NM_001257180.2(SLC20A2):c.290-13C>A

Gene: SLC20A2 (solute carrier family 20 member 2; minus strand). Cytogenetic location: 8p11.21.
Variant type: single nucleotide variant.
Coding change: c.290-13C>A on transcript NM_001257180.2 (MANE Select); 13 bases into the intron before coding-DNA position 290, C replaced by A.
Molecular consequence: intron variant.
Genome position (GRCh38, 1-based): chr8:42,465,930, G>T on the plus strand (C>A on the coding strand, the complement: SLC20A2 is on the minus strand). VCF-style: chr8-42465930-G-T. GRCh37 (hg19) VCF-style: chr8-42323448-G-T.
Other names: c.290-13C>A (NM_006749.5, NM_001257181.2).
Identifiers: ClinVar variation 363092 (VCV000363092.15), dbSNP rs114824268, ClinGen allele CA4733611.